The following is an entry in ClinVar:

NM_001655.5(ARCN1):c.518C>G (p.Ala173Gly)

Gene: ARCN1 (archain 1 coat protein complex I subunit delta; plus strand). Cytogenetic location: 11q23.3.
Variant type: single nucleotide variant.
Coding change: c.518C>G on transcript NM_001655.5 (MANE Select); coding-DNA position 518, C replaced by G.
Protein change: p.Ala173Gly; replaces alanine 173 with glycine.
Molecular consequence: missense variant.
Genome position (GRCh38, 1-based): chr11:118,583,879, C>G. VCF-style: chr11-118583879-C-G. GRCh37 (hg19) VCF-style: chr11-118454594-C-G.
Other names: c.254C>G, p.Ala85Gly (NM_001142281.2); short protein forms A173G, A85G.
Identifiers: ClinVar variation 1415231 (VCV001415231.6), dbSNP rs1555075034, ClinGen allele CA382805308.
Genomic context (GRCh38, chr11:118,583,879, plus strand): 5'-GTGAAGCTAAGGCTGAGATGCGTCGTAAAGCAAAGGAATTACAACAGGCCCGAAGAGATG[C>G]AGAGAGACAGGGCAAAAAAGCACCAGGATTTGGCGGATTTGGCAGCTCTGCAGTATCTGG-3'
Protein context (NP_001646.2, residues 163-183): AKELQQARRD[Ala173Gly]ERQGKKAPGF

ClinVar aggregate classification (germline): Uncertain significance (1 of 4 stars; one submission).

Allele frequency attached by ClinVar (database versions not stated): TOPMed below 0.00001; gnomAD exomes 0.00001.

Submission:

Labcorp Genetics (formerly Invitae), Labcorp
Classification: Uncertain significance. Last evaluated: 2022-11-24. Review status: criteria provided, single submitter. Criteria: Invitae Variant Classification Sherloc (09022015). Collection method: clinical testing. Allele origin: germline.
Comment: In summary, the available evidence is currently insufficient to determine the role of this variant in disease. Therefore, it has been classified as a Variant of Uncertain Significance. Algorithms developed to predict the effect of missense changes on protein structure and function (SIFT, PolyPhen-2, Align-GVGD) all suggest that this variant is likely to be tolerated. ClinVar contains an entry for this variant (Variation ID: 1415231). This variant has not been reported in the literature in individuals affected with ARCN1-related conditions. This variant is present in population databases (no rsID available, gnomAD 0.004%). This sequence change replaces alanine, which is neutral and non-polar, with glycine, which is neutral and non-polar, at codon 173 of the ARCN1 protein (p.Ala173Gly).